The following is an entry in ClinVar:

ClinVar aggregate classification (germline): Uncertain significance. Review status: criteria provided, multiple submitters, no conflicts (2 of 4 stars). 2 submissions from 2 submitters: Uncertain significance (2). Last evaluated 2026-06-16.

Conditions:
Familial cancer of breast. Also called: Hereditary breast cancer; BREAST CANCER, FAMILIAL; hereditary breast carcinoma. Identifiers: Orphanet 227535, MedGen C0346153, MONDO:0016419, OMIM 114480. Disease mechanism: loss of function.
Hereditary cancer-predisposing syndrome. Also called: Tumor predisposition; Hereditary Cancer Syndrome; Hereditary neoplastic syndrome; Neoplastic Syndromes, Hereditary. Identifiers: Orphanet 140162, MedGen C0027672, MeSH D009386, MONDO:0015356.

gnomAD v4.1: 1 of 1,490,544 alleles (0.000067%); no homozygotes.

Submissions (2):

Ambry Genetics
Classification: Uncertain significance for Hereditary cancer-predisposing syndrome. Last evaluated: 2026-06-16. Review status: criteria provided, single submitter. Criteria: Ambry Variant Classification Scheme 2023. Collection method: clinical testing. Allele origin: germline.
Comment: The p.H282Q variant (also known as c.846T>G), located in coding exon 6 of the CHEK2 gene, results from a T to G substitution at nucleotide position 846. The histidine at codon 282 is replaced by glutamine, an amino acid with highly similar properties. This amino acid position is highly conserved in available vertebrate species. In addition, this alteration is predicted to be deleterious by in silico analysis. Based on the available evidence, the clinical significance of this variant remains unclear.

Labcorp Genetics (formerly Invitae), Labcorp
Classification: Uncertain significance for Familial cancer of breast. Last evaluated: 2025-11-17. Review status: criteria provided, single submitter. Criteria: Invitae Variant Classification Sherloc (09022015). Collection method: clinical testing. Allele origin: germline.
Comment: This sequence change replaces histidine, which is basic and polar, with glutamine, which is neutral and polar, at codon 282 of the CHEK2 protein (p.His282Gln). This variant is not present in population databases (gnomAD no frequency). This variant has not been reported in the literature in individuals affected with CHEK2-related conditions. ClinVar contains an entry for this variant (Variation ID: 2056212). An algorithm developed to predict the effect of missense changes on protein structure and function (PolyPhen-2) suggests that this variant is likely to be disruptive. RNA analysis performed to evaluate the impact of this missense change on mRNA splicing indicates it does not significantly alter splicing (internal data). In summary, the available evidence is currently insufficient to determine the role of this variant in disease. Therefore, it has been classified as a Variant of Uncertain Significance.

NM_007194.4(CHEK2):c.846T>G (p.His282Gln)

Gene: CHEK2 (checkpoint kinase 2; minus strand). Cytogenetic location: 22q12.1.
Variant type: single nucleotide variant.
Coding change: c.846T>G on transcript NM_007194.4 (MANE Select); coding-DNA position 846, T replaced by G.
Protein change: p.His282Gln; replaces histidine 282 with glutamine.
Molecular consequence: missense variant.
Genome position (GRCh38, 1-based): chr22:28,710,006, A>C on the plus strand (T>G on the coding strand, the complement: CHEK2 is on the minus strand). VCF-style: chr22-28710006-A-C. GRCh37 (hg19) VCF-style: chr22-29105994-A-C.
Other names: c.846T>G (NM_007194.3); c.975T>G, p.His325Gln (NM_001005735.3); c.183T>G, p.His61Gln (NM_001257387.3); c.645T>G, p.His215Gln (NM_001349956.3); c.846T>G, p.His282Gln (NM_145862.3); short protein forms H325Q, H215Q, H61Q, H282Q.
Identifiers: ClinVar variation 2056212 (VCV002056212.5), dbSNP rs987815892, ClinGen allele CA411102260.